The following is an entry in ClinVar:

NM_001377.3(DYNC2H1):c.11494-1G>C

Gene: DYNC2H1 (dynein cytoplasmic 2 heavy chain 1; plus strand). Cytogenetic location: 11q22.3.
Variant type: single nucleotide variant.
Coding change: c.11494-1G>C on transcript NM_001377.3 (MANE Select); the canonical splice acceptor site of the intron before coding-DNA position 11494, G replaced by C.
Molecular consequence: splice acceptor variant.
Genome position (GRCh38, 1-based): chr11:103,311,877, G>C. VCF-style: chr11-103311877-G-C. GRCh37 (hg19) VCF-style: chr11-103182606-G-C.
Other names: c.11515-1G>C (NM_001080463.2).
Identifiers: ClinVar variation 2702546 (VCV002702546.3), dbSNP rs1867604292, ClinGen allele CA382263712.

ClinVar aggregate classification (germline): Likely pathogenic (1 of 4 stars; one submission).

Conditions:
Jeune thoracic dystrophy. Also called: Infantile thoracic dystrophy; Thoracic pelvic phalangeal dystrophy; Jeune's syndrome; Chondroectodermal dysplasia-like syndrome; Short-rib thoracic dysplasia; Jeune syndrome. Identifiers: Orphanet 474, MedGen C0265275, MONDO:0018770.

Allele frequency attached by ClinVar (database versions not stated): TOPMed below 0.00001; gnomAD 0.00001.
gnomAD v4.1: 3 of 1,598,524 alleles (0.00019%); highest among the groups gnomAD compares: Non-Finnish European, 0.00017%; no homozygotes.

Submission:

Labcorp Genetics (formerly Invitae), Labcorp
Classification: Likely pathogenic for Jeune thoracic dystrophy. Last evaluated: 2023-12-12. Review status: criteria provided, single submitter. Criteria: Invitae Variant Classification Sherloc (09022015). Collection method: clinical testing. Allele origin: germline.
Comment: This sequence change affects an acceptor splice site in intron 79 of the DYNC2H1 gene. It is expected to disrupt RNA splicing. Variants that disrupt the donor or acceptor splice site typically lead to a loss of protein function (PMID: 16199547), and loss-of-function variants in DYNC2H1 are known to be pathogenic (PMID: 23339108, 32753734, 33755199). This variant is not present in population databases (gnomAD no frequency). This variant has not been reported in the literature in individuals affected with DYNC2H1-related conditions. Algorithms developed to predict the effect of sequence changes on RNA splicing suggest that this variant may disrupt the consensus splice site. In summary, the currently available evidence indicates that the variant is pathogenic, but additional data are needed to prove that conclusively. Therefore, this variant has been classified as Likely Pathogenic.

Literature cited by the submitters: PubMed 16199547; PubMed 23339108; PubMed 32753734; PubMed 33755199.